The following is an entry in ClinVar:

ClinVar aggregate classification (germline): Uncertain significance (1 of 4 stars; one submission).

Submission:

Labcorp Genetics (formerly Invitae), Labcorp
Classification: Uncertain significance. Last evaluated: 2022-07-12. Review status: criteria provided, single submitter. Criteria: Invitae Variant Classification Sherloc (09022015). Collection method: clinical testing. Allele origin: germline.
Comment: This sequence change replaces arginine, which is basic and polar, with glutamine, which is neutral and polar, at codon 743 of the MYO5B protein (p.Arg743Gln). The frequency data for this variant in the population databases is considered unreliable, as metrics indicate poor data quality at this position in the gnomAD database. This variant has not been reported in the literature in individuals affected with MYO5B-related conditions. Algorithms developed to predict the effect of missense changes on protein structure and function are either unavailable or do not agree on the potential impact of this missense change (SIFT: "Not Available"; PolyPhen-2: "Possibly Damaging"; Align-GVGD: "Not Available"). In summary, the available evidence is currently insufficient to determine the role of this variant in disease. Therefore, it has been classified as a Variant of Uncertain Significance.

NM_001080467.3(MYO5B):c.2228_2229delinsAA (p.Arg743Gln)

Gene: MYO5B (myosin VB; minus strand). Cytogenetic location: 18q21.1.
Variant type: Indel.
Coding change: c.2228_2229delinsAA on transcript NM_001080467.3 (MANE Select); coding-DNA positions 2228 to 2229, GC replaced by AA.
Protein change: p.Arg743Gln; replaces arginine 743 with glutamine.
Molecular consequence: missense variant.
Genome position (GRCh38, 1-based): chr18:49,906,604-49,906,605, GC replaced by TT on the plus strand (GC replaced by AA on the coding strand, the reverse complement: MYO5B is on the minus strand). VCF-style: chr18-49906604-GC-TT. GRCh37 (hg19) VCF-style: chr18-47432974-GC-TT.
Other names: short protein forms R743Q.
Identifiers: ClinVar variation 2016271 (VCV002016271.4), dbSNP rs2511280215, ClinGen allele CA2580095804.